The following is an entry in ClinVar:

NM_000536.4(RAG2):c.1257C>G (p.Cys419Trp)

Gene: RAG2 (recombination activating 2; minus strand). Cytogenetic location: 11p12.
Variant type: single nucleotide variant.
Coding change: c.1257C>G on transcript NM_000536.4 (MANE Select); coding-DNA position 1257, C replaced by G.
Protein change: p.Cys419Trp; replaces cysteine 419 with tryptophan.
Molecular consequence: missense variant.
Genome position (GRCh38, 1-based): chr11:36,592,912, G>C on the plus strand (C>G on the coding strand, the complement: RAG2 is on the minus strand). VCF-style: chr11-36592912-G-C. GRCh37 (hg19) VCF-style: chr11-36614462-G-C.
Other names: c.1257C>G, p.Cys419Trp (NM_001243785.2, NM_001243786.2); short protein forms C419W.
Identifiers: ClinVar variation 2928095 (VCV002928095.3), dbSNP rs1434109608, ClinGen allele CA380140760.

ClinVar aggregate classification (germline): Pathogenic (1 of 4 stars; one submission).

Conditions:
Combined immunodeficiency with skin granulomas. Identifiers: Orphanet 157949, MedGen C2673536, MONDO:0009306, OMIM 233650.
Severe combined immunodeficiency, autosomal recessive, T cell-negative, B cell-negative, NK cell-positive. Also called: SCID, T CELL-NEGATIVE, B CELL-NEGATIVE, NK CELL-POSITIVE; Severe combined immunodeficiency due to complete RAG1/2 deficiency; SCID, AR, T-cell negative, B-cell negative, NK cell-positive. Identifiers: Orphanet 331206, MedGen C1832322, MONDO:0011086, OMIM 601457.

Submission:

Labcorp Genetics (formerly Invitae), Labcorp
Classification: Pathogenic for Combined immunodeficiency with skin granulomas; Severe combined immunodeficiency, autosomal recessive, T cell-negative, B cell-negative, NK cell-positive. Last evaluated: 2023-06-09. Review status: criteria provided, single submitter. Criteria: Invitae Variant Classification Sherloc (09022015). Collection method: clinical testing. Allele origin: germline.
Comment: For these reasons, this variant has been classified as Pathogenic. Advanced modeling of protein sequence and biophysical properties (such as structural, functional, and spatial information, amino acid conservation, physicochemical variation, residue mobility, and thermodynamic stability) performed at Invitae indicates that this missense variant is expected to disrupt RAG2 protein function. This missense change has been observed in individual(s) with Omenn syndrome (PMID: 30307608). This variant is not present in population databases (gnomAD no frequency). This sequence change replaces cysteine, which is neutral and slightly polar, with tryptophan, which is neutral and slightly polar, at codon 419 of the RAG2 protein (p.Cys419Trp).

Literature cited by the submitters: PubMed 30307608.